The following is an entry in ClinVar:

ClinVar aggregate classification (germline): Benign/Likely benign. Review status: criteria provided, multiple submitters, no conflicts (2 of 4 stars). 4 submissions from 4 submitters: Benign (1); Likely benign (3). Last evaluated 2025-12-10.

Conditions:
Hereditary cancer-predisposing syndrome. Also called: Tumor predisposition; Neoplastic Syndromes, Hereditary; Hereditary neoplastic syndrome; Hereditary Cancer Syndrome. Identifiers: Orphanet 140162, MedGen C0027672, MeSH D009386, MONDO:0015356.
BAP1-related tumor predisposition syndrome (TPDS1). Also called: Tumor susceptibility linked to germline BAP1 mutations; BAP1 tumor predisposition syndrome; COMMON Syndrome; TUMOR PREDISPOSITION SYNDROME 1. Identifiers: Orphanet 289539, MedGen C3280492, MONDO:0013692, OMIM 614327.

Allele frequency attached by ClinVar (database versions not stated): gnomAD exomes below 0.00001.
gnomAD v4.1: 1 of 1,582,936 alleles (0.000063%); highest among the groups gnomAD compares: Non-Finnish European, 0.000086%; no homozygotes.

Submissions (4):

Ambry Genetics
Classification: Likely benign for Hereditary cancer-predisposing syndrome. Last evaluated: 2025-12-10. Review status: criteria provided, single submitter. Criteria: Ambry Variant Classification Scheme 2023. Collection method: clinical testing. Allele origin: germline.

Labcorp Genetics (formerly Invitae), Labcorp
Classification: Likely benign for BAP1-related tumor predisposition syndrome. Last evaluated: 2024-11-21. Review status: criteria provided, single submitter. Criteria: Invitae Variant Classification Sherloc (09022015). Collection method: clinical testing. Allele origin: germline.

Myriad Genetics, Inc.
Classification: Benign for BAP1-related tumor predisposition syndrome. Last evaluated: 2024-07-18. Review status: criteria provided, single submitter. Criteria: Myriad Autosomal Dominant, Autosomal Recessive and X-Linked Classification Criteria (2023). Collection method: clinical testing. Allele origin: unknown.
Comment: This variant is considered benign. This variant is a silent/synonymous amino acid change and it is not expected to impact splicing.

Color Diagnostics, LLC DBA Color Health
Classification: Likely benign for Hereditary cancer-predisposing syndrome. Last evaluated: 2017-11-30. Review status: criteria provided, single submitter. Criteria: ACMG Guidelines, 2015. Collection method: clinical testing. Allele origin: germline.

NM_004656.4(BAP1):c.2124G>A (p.Arg708=)

Gene: BAP1 (BRCA1 associated deubiquitinase 1; minus strand). Cytogenetic location: 3p21.1.
Variant type: single nucleotide variant.
Coding change: c.2124G>A on transcript NM_004656.4 (MANE Select); coding-DNA position 2124, G replaced by A.
Protein change: p.Arg708=; no amino-acid change (arginine 708 retained).
Molecular consequence: synonymous variant.
Genome position (GRCh38, 1-based): chr3:52,402,354, C>T on the plus strand (G>A on the coding strand, the complement: BAP1 is on the minus strand). VCF-style: chr3-52402354-C-T. GRCh37 (hg19) VCF-style: chr3-52436370-C-T.
Other names: c.2124G>A (NM_004656.2).
Identifiers: ClinVar variation 630523 (VCV000630523.11), dbSNP rs1332999409, ClinGen allele CA433885925.